The following is an entry in ClinVar:

NM_198576.4(AGRN):c.3685G>A (p.Val1229Met)

Gene: AGRN (agrin; plus strand). Cytogenetic location: 1p36.33.
Variant type: single nucleotide variant.
Coding change: c.3685G>A on transcript NM_198576.4 (MANE Select); coding-DNA position 3685, G replaced by A.
Protein change: p.Val1229Met; replaces valine 1229 with methionine.
Molecular consequence: missense variant.
Genome position (GRCh38, 1-based): chr1:1,047,829, G>A. VCF-style: chr1-1047829-G-A. GRCh37 (hg19) VCF-style: chr1-983209-G-A.
Other names: c.3685G>A, p.Val1229Met (NM_001305275.2); c.3370G>A, p.Val1124Met (NM_001364727.2); short protein forms V1124M, V1229M.
Identifiers: ClinVar variation 1509636 (VCV001509636.5), dbSNP rs528146665, ClinGen allele CA337851399.

ClinVar aggregate classification (germline): Uncertain significance (1 of 4 stars; one submission).

Conditions:
Congenital myasthenic syndrome 8. Also called: MYASTHENIC SYNDROME, CONGENITAL, DUE TO AGRIN DEFICIENCY; Myasthenic syndrome, congenital, 8, with pre- and postsynaptic defects. Identifiers: Orphanet 590, MedGen C3808739, MONDO:0014052, OMIM 615120.

gnomAD v4.1: 1 of 1,604,350 alleles (0.000062%); highest among the groups gnomAD compares: Non-Finnish European, 0.000085%; no homozygotes.

Submission:

Labcorp Genetics (formerly Invitae), Labcorp
Classification: Uncertain significance for Congenital myasthenic syndrome 8. Last evaluated: 2021-09-24. Review status: criteria provided, single submitter. Criteria: Invitae Variant Classification Sherloc (09022015). Collection method: clinical testing. Allele origin: germline.
Comment: This sequence change replaces valine with methionine at codon 1229 of the AGRN protein (p.Val1229Met). The valine residue is weakly conserved and there is a small physicochemical difference between valine and methionine. This variant is not present in population databases (ExAC no frequency). This variant has not been reported in the literature in individuals with AGRN-related conditions. Algorithms developed to predict the effect of missense changes on protein structure and function are either unavailable or do not agree on the potential impact of this missense change (SIFT: "Tolerated"; PolyPhen-2: "Possibly Damaging"; Align-GVGD: "Class C0"). In summary, the available evidence is currently insufficient to determine the role of this variant in disease. Therefore, it has been classified as a Variant of Uncertain Significance.